The following is an entry in ClinVar:

NM_002693.3(POLG):c.490C>A (p.Pro164Thr)

Genes: POLGARF (POLG alternative reading frame; minus strand), POLG (DNA polymerase gamma, catalytic subunit; minus strand). Cytogenetic location: 15q26.1.
Variant type: single nucleotide variant.
Coding change: c.490C>A on transcript NM_002693.3 (MANE Select); coding-DNA position 490, C replaced by A.
Protein change: p.Pro164Thr; replaces proline 164 with threonine.
Molecular consequence: missense variant.
Genome position (GRCh38, 1-based): chr15:89,333,265, G>T on the plus strand (C>A on the coding strand, the complement: POLG is on the minus strand). VCF-style: chr15-89333265-G-T. GRCh37 (hg19) VCF-style: chr15-89876496-G-T.
Other names: c.490C>A, p.Pro164Thr (NM_001126131.2); short protein forms P164T.
Identifiers: ClinVar variation 2013355 (VCV002013355.26), dbSNP rs779208296, ClinGen allele CA393771324.

ClinVar aggregate classification (germline): Uncertain significance. Review status: criteria provided, multiple submitters, no conflicts (2 of 4 stars). 2 submissions from 2 submitters: Uncertain significance (2). Last evaluated 2024-02-01.

Conditions:
Progressive sclerosing poliodystrophy (MTDPS4A). Also called: NEURONAL DEGENERATION OF CHILDHOOD WITH LIVER DISEASE, PROGRESSIVE; ALPERS PROGRESSIVE INFANTILE POLIODYSTROPHY; Mitochondrial DNA depletion syndrome 4A (Alpers type); Mitochondrial DNA Depletion Syndrome 4A; Alpers-Huttenlocher Syndrome (AHS); Alpers Syndrome. Identifiers: Orphanet 726, MedGen C0205710, MONDO:0008758, OMIM 203700.

gnomAD v4.1: 4 of 1,561,482 alleles (0.00026%); highest among the groups gnomAD compares: Non-Finnish European, 0.00026%; no homozygotes.

Submissions (2):

CeGaT Center for Human Genetics Tuebingen
Classification: Uncertain significance. Last evaluated: 2024-02-01. Review status: criteria provided, single submitter. Criteria: CeGaT Center For Human Genetics Tuebingen Variant Classification Criteria Version 2. Collection method: clinical testing. Allele origin: germline. Affected: yes. Observed: 1 variant allele.
Comment: POLG: PM2

Labcorp Genetics (formerly Invitae), Labcorp
Classification: Uncertain significance for Progressive sclerosing poliodystrophy. Last evaluated: 2022-09-27. Review status: criteria provided, single submitter. Criteria: Invitae Variant Classification Sherloc (09022015). Collection method: clinical testing. Allele origin: germline.
Comment: This sequence change replaces proline, which is neutral and non-polar, with threonine, which is neutral and polar, at codon 164 of the POLG protein (p.Pro164Thr). This variant has not been reported in the literature in individuals affected with POLG-related conditions. This variant is not present in population databases (gnomAD no frequency). Advanced modeling of protein sequence and biophysical properties (such as structural, functional, and spatial information, amino acid conservation, physicochemical variation, residue mobility, and thermodynamic stability) performed at Invitae indicates that this missense variant is not expected to disrupt POLG protein function. In summary, the available evidence is currently insufficient to determine the role of this variant in disease. Therefore, it has been classified as a Variant of Uncertain Significance.